The following is an entry in ClinVar:

NM_178138.6(LHX3):c.222G>C (p.Glu74Asp)

Gene: LHX3 (LIM homeobox 3; minus strand). Cytogenetic location: 9q34.3.
Variant type: single nucleotide variant.
Coding change: c.222G>C on transcript NM_178138.6 (MANE Select); coding-DNA position 222, G replaced by C.
Protein change: p.Glu74Asp; replaces glutamic acid 74 with aspartic acid.
Molecular consequence: missense variant.
Genome position (GRCh38, 1-based): chr9:136,200,611, C>G on the plus strand (G>C on the coding strand, the complement: LHX3 is on the minus strand). VCF-style: chr9-136200611-C-G. GRCh37 (hg19) VCF-style: chr9-139092457-C-G.
Other names: c.189G>C, p.Glu63Asp (NM_001363746.1); c.237G>C, p.Glu79Asp (NM_014564.5); short protein forms E63D, E74D, E79D.
Identifiers: ClinVar variation 4536027 (VCV004536027.2).

ClinVar aggregate classification (germline): Uncertain significance (1 of 4 stars; one submission).

Submission:

Women's Health and Genetics/Laboratory Corporation of America, LabCorp
Classification: Uncertain significance. Last evaluated: 2026-06-03. Review status: criteria provided, single submitter. Criteria: LabCorp Variant Classification Summary - May 2015. Collection method: clinical testing. Allele origin: germline.
Comment: Variant summary: LHX3 c.237G>C (p.Glu79Asp) results in a conservative amino acid change in the encoded protein sequence. Algorithms developed to predict the effect of missense changes on protein structure and function all suggest that this variant is likely to be tolerated. The variant was absent in 250082 control chromosomes. The available data on variant occurrences in the general population are insufficient to allow any conclusion about variant significance. To our knowledge, no occurrence of c.237G>C in individuals affected with LHX3-related conditions and no experimental evidence demonstrating its impact on protein function have been reported. ClinVar contains an entry for this variant (Variation ID: 4536027). Based on the evidence outlined above, the variant was classified as uncertain significance.